The following is an entry in ClinVar:

NM_001287.6(CLCN7):c.822+2T>C

Gene: CLCN7 (chloride voltage-gated channel 7; minus strand). Cytogenetic location: 16p13.3.
Variant type: single nucleotide variant.
Coding change: c.822+2T>C on transcript NM_001287.6 (MANE Select); the canonical splice donor site of the intron after coding-DNA position 822, T replaced by C.
Molecular consequence: splice donor variant.
Genome position (GRCh38, 1-based): chr16:1,457,252, A>G on the plus strand (T>C on the coding strand, the complement: CLCN7 is on the minus strand). VCF-style: chr16-1457252-A-G. GRCh37 (hg19) VCF-style: chr16-1507253-A-G.
Other names: c.750+2T>C (NM_001114331.3).
Identifiers: ClinVar variation 1998953 (VCV001998953.4), dbSNP rs2505835772, ClinGen allele CA394190971.

ClinVar aggregate classification (germline): Likely pathogenic (1 of 4 stars; one submission).

Submission:

Labcorp Genetics (formerly Invitae), Labcorp
Classification: Likely pathogenic. Last evaluated: 2022-05-25. Review status: criteria provided, single submitter. Criteria: Invitae Variant Classification Sherloc (09022015). Collection method: clinical testing. Allele origin: germline.
Comment: In summary, the currently available evidence indicates that the variant is pathogenic, but additional data are needed to prove that conclusively. Therefore, this variant has been classified as Likely Pathogenic. This variant has not been reported in the literature in individuals affected with CLCN7-related conditions. This variant is not present in population databases (gnomAD no frequency). This sequence change affects a donor splice site in intron 9 of the CLCN7 gene. It is expected to disrupt RNA splicing. Variants that disrupt the donor or acceptor splice site typically lead to a loss of protein function (PMID: 16199547), and loss-of-function variants in CLCN7 are known to be pathogenic (PMID: 14584882, 19953639).

Literature cited by the submitters: PubMed 16199547; PubMed 14584882; PubMed 19953639.